The following is an entry in ClinVar:

NM_001042492.3(NF1):c.1528-9T>C

Gene: NF1 (neurofibromin 1; plus strand). Cytogenetic location: 17q11.2.
Variant type: single nucleotide variant.
Coding change: c.1528-9T>C on transcript NM_001042492.3 (MANE Select); 9 bases into the intron before coding-DNA position 1528, T replaced by C.
Molecular consequence: intron variant.
Genome position (GRCh38, 1-based): chr17:31,218,996, T>C. VCF-style: chr17-31218996-T-C. GRCh37 (hg19) VCF-style: chr17-29546014-T-C.
Other names: c.1528-9T>C (NM_000267.4, NM_001128147.3).
Identifiers: ClinVar variation 413025 (VCV000413025.12), dbSNP rs1060503916, ClinGen allele CA16615163.
Genomic context (GRCh38, chr17:31,218,996, plus strand): 5'-TTCTTCCTCCTTCTAATCTCTCTCGATTTATTTATTTTTTTAATTGAAGTTTCCTTTTTT[T>C]CCTTGCAGAATCCAAGAAAACAGGGGCCCGAAACCCAAGGCAGTACAGCAGAATTAATTA-3'

ClinVar aggregate classification (germline): Likely benign. Review status: criteria provided, multiple submitters, no conflicts (2 of 4 stars). 3 submissions from 3 submitters: Likely benign (3). Last evaluated 2026-05-11.

Conditions:
NF1-related disorder. Also called: NF1-related condition. Identifiers: MedGen CN379171.
Neurofibromatosis, type 1 (NF1). Also called: Neurofibromatosis, type I; VON RECKLINGHAUSEN DISEASE; Peripheral type neurofibromatosis; NEUROFIBROMATOSIS, TYPE I, SOMATIC. Identifiers: Orphanet 636, MedGen C0027831, MONDO:0018975, OMIM 162200. Disease mechanism: loss of function.

Allele frequency attached by ClinVar (database versions not stated): gnomAD exomes below 0.00001; TOPMed 0.00001.

Submissions (3):

Myriad Genetics, Inc.
Classification: Likely benign for Neurofibromatosis, type 1. Last evaluated: 2026-05-11. Review status: criteria provided, single submitter. Criteria: Myriad Autosomal Dominant, Autosomal Recessive and X-Linked Classification Criteria (2023). Collection method: clinical testing. Allele origin: unknown.
Comment: This variant is considered likely benign. This variant is intronic and is not expected to impact mRNA splicing.

PreventionGenetics, part of Exact Sciences
Classification: Likely benign for NF1-related condition. Last evaluated: 2026-04-21. Review status: criteria provided, single submitter. Criteria: ACMG Guidelines, 2015. Collection method: clinical testing. Allele origin: germline.
Comment: This variant is classified as likely benign based on ACMG/AMP sequence variant interpretation guidelines (Richards et al. 2015 PMID: 25741868, with internal and published modifications).

Labcorp Genetics (formerly Invitae), Labcorp
Classification: Likely benign for Neurofibromatosis, type 1. Last evaluated: 2026-01-14. Review status: criteria provided, single submitter. Criteria: Invitae Variant Classification Sherloc (09022015). Collection method: clinical testing. Allele origin: germline.